The following is an entry in ClinVar:

ClinVar aggregate classification (germline): Uncertain significance. Review status: criteria provided, single submitter (1 of 4 stars). 2 submissions from 2 submitters: Uncertain significance (1). 1 of the submissions does not count toward it. Last evaluated 2017-09-14.

Conditions:
VPS13B-related disorder. Also called: VPS13B-related condition.

Allele frequency attached by ClinVar (database versions not stated): gnomAD exomes below 0.00001 and 0.00002; ExAC 0.00001; ESP Exome Variant Server 0.00008.
gnomAD v4.1: 26 of 1,614,006 alleles (0.0016%); highest among the groups gnomAD compares: Non-Finnish European, 0.002%; no homozygotes.

Submissions (2):

Athena Diagnostics
Classification: Uncertain significance. Last evaluated: 2017-09-14. Review status: criteria provided, single submitter. Criteria: Athena Diagnostics Criteria. Collection method: clinical testing. Allele origin: germline.

PreventionGenetics, part of Exact Sciences
Classification: Uncertain significance for VPS13B-related condition. Last evaluated: 2024-04-11. Review status: no assertion criteria provided. Collection method: clinical testing. Allele origin: germline. Not counted in ClinVar's aggregate classification.
Comment: The VPS13B c.8159T>C variant is predicted to result in the amino acid substitution p.Val2720Ala. To our knowledge, this variant has not been reported in the literature. This variant is reported in 0.00088% of alleles in individuals of European (Non-Finnish) descent in gnomAD. At this time, the clinical significance of this variant is uncertain due to the absence of conclusive functional and genetic evidence.

NM_152564.5(VPS13B):c.8159T>C (p.Val2720Ala)

Gene: VPS13B (vacuolar protein sorting 13 homolog B; plus strand). Cytogenetic location: 8q22.2.
Variant type: single nucleotide variant.
Coding change: c.8159T>C on transcript NM_152564.5 (MANE Select); coding-DNA position 8159, T replaced by C.
Protein change: p.Val2720Ala; replaces valine 2720 with alanine.
Molecular consequence: missense variant.
Genome position (GRCh38, 1-based): chr8:99,817,601, T>C. VCF-style: chr8-99817601-T-C. GRCh37 (hg19) VCF-style: chr8-100829829-T-C.
Other names: c.8234T>C, p.Val2745Ala (NM_017890.5); c.8159T>C (NM_152564.4); short protein forms V2720A, V2745A.
Identifiers: ClinVar variation 448880 (VCV000448880.3), dbSNP rs369898130, ClinGen allele CA4824401.